The following is an entry in ClinVar:

ClinVar aggregate classification (germline): Uncertain significance (1 of 4 stars; one submission).

Conditions:
Polycystic kidney disease, adult type (PKD1). Also called: Polycystic Kidney, Autosomal Dominant; POLYCYSTIC KIDNEY DISEASE, ADULT, TYPE I; Polycystic Kidney Disease 1, Autosomal Dominant; Polycystic kidney disease 1; Polycystic kidney disease 1, severe; POLYCYSTIC KIDNEY DISEASE 1 WITH OR WITHOUT POLYCYSTIC LIVER DISEASE. Identifiers: MedGen C3149841, MONDO:0008263, OMIM 173900.

Submission:

Victorian Clinical Genetics Services, Murdoch Childrens Research Institute
Classification: Uncertain significance for Polycystic kidney disease, adult type. Last evaluated: 2025-07-17. Review status: criteria provided, single submitter. Criteria: ACMG Guidelines, 2015. Collection method: clinical testing. Allele origin: germline. Affected: yes.
Comment: This variant is classified as VUS-3A. Evidence in support of pathogenic classification: Variant is absent from gnomAD (v2, v3 and v4); This variant has limited previous evidence of pathogenicity in an unrelated individual. This variant has been identified in one individual from a large ADPKD cohort (PMID: 27499327); Missense variant predicted to be damaging by in silico tool(s) or highly conserved with a major amino acid change. Additional information: Variant is predicted to result in a missense amino acid change from Pro to Arg; This variant is heterozygous; This gene is associated with autosomal dominant disease. Polycystic kidney disease 1 (MIM#173900) is predominantly caused by monoallelic variants, with rare reports of biallelic variants causing disease (OMIM); Alternative amino acid change(s) at the same position are present in gnomAD (Highest allele count: v4: 1 heterozygote(s), 0 homozygote(s)); No published evidence of segregation with disease has been identified for this variant; No published functional evidence has been identified for this variant; Another missense variant(s) comparable to the one identified in this case has inconclusive previous evidence for pathogenicity. p.(Pro3887Ala) has been classified as a VUS and reported in a fetus with pyelectasis and abnormality of the ureter, who also had a VUS in PTPN11 (PMID: 38318287); Variant is located in the annotated polycystin domain (DECIPHER); Loss of function is a known mechanism of disease in this gene and is associated with polycystic kidney disease 1 (MIM#173900); Inheritance information for this variant is not currently available in this individual.

Literature cited by the submitters: PubMed 38318287; PubMed 27499327.

NM_001009944.3(PKD1):c.11660C>G (p.Pro3887Arg)

Genes: PKD1-AS1 (PKD1 antisense RNA 1; plus strand), PKD1 (polycystin 1, transient receptor potential channel interacting; minus strand). Cytogenetic location: 16p13.3.
Variant type: single nucleotide variant.
Coding change: c.11660C>G on transcript NM_001009944.3 (MANE Select); coding-DNA position 11660, C replaced by G.
Protein change: p.Pro3887Arg; replaces proline 3887 with arginine.
Molecular consequence: missense variant. On other transcripts: non-coding transcript variant (1).
Genome position (GRCh38, 1-based): chr16:2,091,475, G>C on the plus strand (C>G on the coding strand, the complement: PKD1 is on the minus strand). VCF-style: chr16-2091475-G-C. GRCh37 (hg19) VCF-style: chr16-2141476-G-C.
Other names: c.11657C>G, p.Pro3886Arg (NM_000296.4); short protein forms P3886R, P3887R.
Identifiers: ClinVar variation 4531536 (VCV004531536.1).